The following is an entry in ClinVar:

NM_001367624.2(ZNF469):c.3613G>C (p.Val1205Leu)

Gene: ZNF469 (zinc finger protein 469; plus strand). Cytogenetic location: 16q24.2.
Variant type: single nucleotide variant.
Coding change: c.3613G>C on transcript NM_001367624.2 (MANE Select); coding-DNA position 3613, G replaced by C.
Protein change: p.Val1205Leu; replaces valine 1205 with leucine.
Molecular consequence: missense variant.
Genome position (GRCh38, 1-based): chr16:88,431,083, G>C. VCF-style: chr16-88431083-G-C. GRCh37 (hg19) VCF-style: chr16-88497491-G-C.
Other names: NM_001127464.1:c.3529G>C; short protein forms V1205L.
Identifiers: ClinVar variation 1732334 (VCV001732334.4), dbSNP rs1475181807, ClinGen allele CA397085487.

ClinVar aggregate classification (germline): Uncertain significance (1 of 4 stars; one submission).

Conditions:
Cardiovascular phenotype. Identifiers: MedGen CN230736.

Submission:

Ambry Genetics
Classification: Uncertain significance for Cardiovascular phenotype. Last evaluated: 2024-11-27. Review status: criteria provided, single submitter. Criteria: Ambry Variant Classification Scheme 2023. Collection method: clinical testing. Allele origin: germline.
Comment: The p.V1177L variant (also known as c.3529G>C), located in coding exon 2 of the ZNF469 gene, results from a G to C substitution at nucleotide position 3529. The valine at codon 1177 is replaced by leucine, an amino acid with highly similar properties. This amino acid position is conserved. In addition, this alteration is predicted to be tolerated by in silico analysis. Since supporting evidence is limited at this time, the clinical significance of this alteration remains unclear.